The following is an entry in ClinVar:

NM_001103.4(ACTN2):c.2600C>T (p.Pro867Leu)

Gene: ACTN2 (actinin alpha 2; plus strand). Cytogenetic location: 1q43.
Variant type: single nucleotide variant.
Coding change: c.2600C>T on transcript NM_001103.4 (MANE Select); coding-DNA position 2600, C replaced by T.
Protein change: p.Pro867Leu; replaces proline 867 with leucine.
Molecular consequence: missense variant.
Genome position (GRCh38, 1-based): chr1:236,762,534, C>T. VCF-style: chr1-236762534-C-T. GRCh37 (hg19) VCF-style: chr1-236925834-C-T.
Other names: c.2600C>T, p.Pro867Leu (NM_001278343.2); c.1976C>T, p.Pro659Leu (NM_001278344.2); short protein forms P867L, P659L.
Identifiers: ClinVar variation 569517 (VCV000569517.11), dbSNP rs1558252869, ClinGen allele CA345392369.

ClinVar aggregate classification (germline): Uncertain significance (1 of 4 stars; one submission).

Conditions:
Dilated cardiomyopathy 1AA (CMD1AA). Also called: Cardiomyopathy, dilated, 1AA, with or without LVNC; CARDIOMYOPATHY, DILATED, 1AA, WITH OR WITHOUT LEFT VENTRICULAR NONCOMPACTION; CARDIOMYOPATHY, FAMILIAL HYPERTROPHIC, 23, WITH OR WITHOUT LEFT VENTRICULAR NONCOMPACTION. Identifiers: Orphanet 154, MedGen C2677338, MONDO:0012808, OMIM 612158.
Primary familial hypertrophic cardiomyopathy (HCM). Identifiers: Orphanet 99739, MedGen C0949658, MeSH D024741, MONDO:0024573. Inheritance: Various modes of inheritance.

Allele frequency attached by ClinVar (database versions not stated): gnomAD exomes below 0.00001 and 0.00001.

Submission:

Labcorp Genetics (formerly Invitae), Labcorp
Classification: Uncertain significance for Primary familial hypertrophic cardiomyopathy; Dilated cardiomyopathy 1AA. Last evaluated: 2023-01-19. Review status: criteria provided, single submitter. Criteria: Invitae Variant Classification Sherloc (09022015). Collection method: clinical testing. Allele origin: germline.
Comment: In summary, the available evidence is currently insufficient to determine the role of this variant in disease. Therefore, it has been classified as a Variant of Uncertain Significance. Algorithms developed to predict the effect of missense changes on protein structure and function are either unavailable or do not agree on the potential impact of this missense change (SIFT: "Deleterious"; PolyPhen-2: "Benign"; Align-GVGD: "Class C65"). ClinVar contains an entry for this variant (Variation ID: 569517). This variant has not been reported in the literature in individuals affected with ACTN2-related conditions. This variant is not present in population databases (gnomAD no frequency). This sequence change replaces proline, which is neutral and non-polar, with leucine, which is neutral and non-polar, at codon 867 of the ACTN2 protein (p.Pro867Leu).